The following is an entry in ClinVar:

ClinVar aggregate classification (germline): Uncertain significance. Review status: criteria provided, multiple submitters, no conflicts (2 of 4 stars). 6 submissions from 6 submitters: Uncertain significance (6). Last evaluated 2026-07-08.

Conditions:
Cardiovascular phenotype. Identifiers: MedGen CN230736.
TTN-related disorder. Also called: TTN-related condition; TTN-related disease; TTN-related disorders.
Autosomal recessive limb-girdle muscular dystrophy type 2J (LGMDR10). Also called: MUSCULAR DYSTROPHY, LIMB-GIRDLE, AUTOSOMAL RECESSIVE 10; Limb-girdle muscular dystrophy, type 2J. Identifiers: Orphanet 140922, MedGen C1837342, MONDO:0012127, OMIM 608807.
Dilated cardiomyopathy 1G (CMD1G). Identifiers: Orphanet 154, MedGen C1858763, MONDO:0011400, OMIM 604145.
Hypertrophic cardiomyopathy 9. Also called: Familial hypertrophic cardiomyopathy 9. Identifiers: MedGen C1861065, MONDO:0013412, OMIM 613765.
Early-onset myopathy with fatal cardiomyopathy (CMYO5). Also called: CONGENITAL MYOPATHY 5 WITH CARDIOMYOPATHY; Salih Myopathy. Identifiers: Orphanet 289377, MedGen C2673677, MONDO:0012714, OMIM 611705. Disease mechanism: loss of function.
Myopathy, myofibrillar, 9, with early respiratory failure (MFM9). Also called: Myopathy, distal, with early respiratory failure, autosomal dominant; EDSTROM MYOPATHY; MYOPATHY, PROXIMAL, WITH EARLY RESPIRATORY MUSCLE INVOLVEMENT; Hereditary myopathy with early respiratory failure. Identifiers: Orphanet 178464, Orphanet 34521, MedGen C1863599, MONDO:0011362, OMIM 603689.
Tibial muscular dystrophy (TMD). Also called: Tibial muscular dystrophy, tardive; UDD MYOPATHY; Udd Distal Myopathy – Tibial Muscular Dystrophy. Identifiers: Orphanet 609, MedGen C1838244, MONDO:0010870, OMIM 600334.

Allele frequency attached by ClinVar (database versions not stated): ExAC 0.00001; 1000 Genomes Project 30x 0.00016; gnomAD 0.00016 and 0.00018; 1000 Genomes Project 0.00020; TOPMed 0.00023.

Submissions (6):

PreventionGenetics, part of Exact Sciences
Classification: Uncertain significance for TTN-related condition. Last evaluated: 2026-07-08. Review status: criteria provided, single submitter. Criteria: ACMG Guidelines, 2015. Collection method: clinical testing. Allele origin: germline.
Comment: The TTN c.96928A>C variant is predicted to result in the amino acid substitution p.Thr32310Pro. This variant has been reported in an individual with atrial fibrillation (Table S1, Pavel et al. 2026. PubMed ID: 41569083). This variant is reported in 0.0086% of alleles in individuals of Latino descent in gnomAD. At this time, the clinical significance of this variant is uncertain due to the absence of conclusive functional and genetic evidence.

Fulgent Genetics
Classification: Uncertain significance for Tibial muscular dystrophy; Myopathy, myofibrillar, 9, with early respiratory failure; Dilated cardiomyopathy 1G; Autosomal recessive limb-girdle muscular dystrophy type 2J; Early-onset myopathy with fatal cardiomyopathy; Hypertrophic cardiomyopathy 9. Last evaluated: 2021-08-20. Review status: criteria provided, single submitter. Criteria: ACMG Guidelines, 2015. Collection method: clinical testing. Allele origin: unknown.

Revvity Omics, Revvity
Classification: Uncertain significance. Last evaluated: 2021-04-05. Review status: criteria provided, single submitter. Criteria: ACMG Guidelines, 2015. Collection method: clinical testing. Allele origin: germline.

Ambry Genetics
Classification: Uncertain significance for Cardiovascular phenotype. Last evaluated: 2019-12-02. Review status: criteria provided, single submitter. Criteria: Ambry Variant Classification Scheme 2023. Collection method: clinical testing. Allele origin: germline.
Comment: The p.T23245P variant (also known as c.69733A>C), located in coding exon 175 of the TTN gene, results from an A to C substitution at nucleotide position 69733. The threonine at codon 23245 is replaced by proline, an amino acid with highly similar properties. This amino acid position is not well conserved in available vertebrate species. In addition, this alteration is predicted to be tolerated by in silico analysis. Since supporting evidence is limited at this time, the clinical significance of this alteration remains unclear.

Eurofins Ntd Llc (ga)
Classification: Uncertain significance. Last evaluated: 2018-06-28. Review status: criteria provided, single submitter. Criteria: EGL ClinVar v180209 classification definitions. Collection method: clinical testing. Allele origin: germline. Observed: 5 variant alleles, 5 heterozygotes.

Labcorp Genetics (formerly Invitae), Labcorp
Classification: Uncertain significance for Dilated cardiomyopathy 1G; Autosomal recessive limb-girdle muscular dystrophy type 2J. Last evaluated: 2017-08-24. Review status: criteria provided, single submitter. Criteria: Invitae Variant Classification Sherloc (09022015). Collection method: clinical testing. Allele origin: germline.

NM_001267550.2(TTN):c.96928A>C (p.Thr32310Pro)

Genes: TTN (titin; minus strand), TTN-AS1 (TTN antisense RNA 1; plus strand), LOC126806421 (CDK7 strongly-dependent group 2 enhancer GRCh37_chr2:179407630-179408829; plus strand). Cytogenetic location: 2q31.2.
Variant type: single nucleotide variant.
Coding change: c.96928A>C on transcript NM_001267550.2 (MANE Select); coding-DNA position 96928, A replaced by C.
Protein change: p.Thr32310Pro; replaces threonine 32310 with proline.
Molecular consequence: missense variant.
Genome position (GRCh38, 1-based): chr2:178,542,926, T>G on the plus strand (A>C on the coding strand, the complement: TTN is on the minus strand). VCF-style: chr2-178542926-T-G. GRCh37 (hg19) VCF-style: chr2-179407653-T-G.
Other names: c.92005A>C, p.Thr30669Pro (NM_001256850.1); c.69733A>C, p.Thr23245Pro (NM_003319.4); c.89224A>C, p.Thr29742Pro (NM_133378.4); c.70108A>C, p.Thr23370Pro (NM_133432.3); c.70309A>C, p.Thr23437Pro (NM_133437.4); short protein forms T32310P, T29742P, T23245P, T23370P, T30669P, T23437P.
Identifiers: ClinVar variation 238871 (VCV000238871.16), dbSNP rs542208825, ClinGen allele CA1986661.